The following is an entry in ClinVar:

ClinVar aggregate classification (germline): Likely benign. Review status: reviewed by expert panel (3 of 4 stars). 7 submissions from 7 submitters: Likely benign (1). 6 of the submissions do not count toward it. Last evaluated 2017-06-29.

Conditions:
Breast and/or ovarian cancer. Identifiers: MedGen CN221562.
Hereditary cancer-predisposing syndrome. Also called: Tumor predisposition; Hereditary Cancer Syndrome; Hereditary neoplastic syndrome; Neoplastic Syndromes, Hereditary. Identifiers: Orphanet 140162, MedGen C0027672, MeSH D009386, MONDO:0015356.
Hereditary breast ovarian cancer syndrome. Also called: Breast and ovarian cancer; Hereditary breast and ovarian cancer syndrome; Hereditary breast and ovarian cancer; BRCA1- and BRCA2-Associated Hereditary Breast and Ovarian Cancer; Hereditary breast and ovarian cancer syndrome (HBOC); Hereditary breast and/or ovarian cancer syndrome. Identifiers: Orphanet 145, MedGen C0677776, MeSH D061325, MONDO:0003582. Disease mechanism: loss of function.
Breast-ovarian cancer, familial, susceptibility to, 2 (BROVCA2). Also called: BRCA2 Hereditary Breast and Ovarian Cancer. Identifiers: Orphanet 145, MedGen C2675520, MONDO:0012933, OMIM 612555. Disease mechanism: loss of function.

Allele frequency attached by ClinVar (database versions not stated): gnomAD exomes below 0.00001 and 0.00001; TOPMed 0.00002; gnomAD 0.00003.
gnomAD v4.1: 12 of 1,613,636 alleles (0.00074%); highest among the groups gnomAD compares: African/African-American, 0.0013%; no homozygotes.

Submissions (7):

Evidence-based Network for the Interpretation of Germline Mutant Alleles (ENIGMA)
Classification: Likely benign for Breast-ovarian cancer, familial, susceptibility to, 2. Last evaluated: 2017-06-29. Review status: reviewed by expert panel. Criteria: ENIGMA BRCA1/2 Classification Criteria (2017-06-29). Collection method: curation. Allele origin: germline.
Comment: Synonymous substitution variant, with low bioinformatic likelihood to result in a splicing aberration (Splicing prior probability 0.02).

Labcorp Genetics (formerly Invitae), Labcorp
Classification: Likely benign for Hereditary breast ovarian cancer syndrome. Last evaluated: 2026-01-26. Review status: criteria provided, single submitter. Criteria: Invitae Variant Classification Sherloc (09022015). Collection method: clinical testing. Allele origin: germline. Not counted in ClinVar's aggregate classification.

All of Us Research Program, National Institutes of Health
Classification: Likely benign for Breast-ovarian cancer, familial, susceptibility to, 2. Last evaluated: 2023-06-15. Review status: criteria provided, single submitter. Criteria: ACMG Guidelines, 2015. Collection method: clinical testing. Allele origin: germline. Inheritance: Autosomal dominant inheritance. Observed: 1 variant allele, 1 heterozygote. Not counted in ClinVar's aggregate classification.
Comment: This study involves interpretation of variants in research participants for the purpose of population health screening. Participant phenotype was not available at the time of variant classification. Additional details can be found in publication PMID: 35346344, PMCID: PMC8962531

CHEO Genetics Diagnostic Laboratory, Children's Hospital of Eastern Ontario
Classification: Likely benign for Breast and/or ovarian cancer. Last evaluated: 2022-11-22. Review status: criteria provided, single submitter. Criteria: ACMG Guidelines, 2015. Collection method: clinical testing. Allele origin: germline. Not counted in ClinVar's aggregate classification.

Color Diagnostics, LLC DBA Color Health
Classification: Likely benign for Hereditary cancer-predisposing syndrome. Last evaluated: 2017-05-12. Review status: criteria provided, single submitter. Criteria: ACMG Guidelines, 2015. Collection method: clinical testing. Allele origin: germline. Not counted in ClinVar's aggregate classification.

GeneDx
Classification: Benign. Last evaluated: 2015-03-03. Review status: criteria provided, single submitter. Criteria: GeneDx Variant Classification Process June 2021. Collection method: clinical testing. Allele origin: germline. Affected: yes. Not counted in ClinVar's aggregate classification.

Ambry Genetics
Classification: Likely benign for Hereditary cancer-predisposing syndrome. Last evaluated: 2014-06-24. Review status: criteria provided, single submitter. Criteria: Ambry Variant Classification Scheme 2023. Collection method: clinical testing. Allele origin: germline. Not counted in ClinVar's aggregate classification.

NM_000059.4(BRCA2):c.7287G>A (p.Glu2429=)

Gene: BRCA2 (BRCA2 DNA repair associated; plus strand). Cytogenetic location: 13q13.1.
Variant type: single nucleotide variant.
Coding change: c.7287G>A on transcript NM_000059.4 (MANE Select); coding-DNA position 7287, G replaced by A.
Protein change: p.Glu2429=; no amino-acid change (glutamic acid 2429 retained).
Molecular consequence: synonymous variant.
Genome position (GRCh38, 1-based): chr13:32,355,140, G>A. VCF-style: chr13-32355140-G-A. GRCh37 (hg19) VCF-style: chr13-32929277-G-A.
Identifiers: ClinVar variation 185484 (VCV000185484.24), dbSNP rs786202210, ClinGen allele CA025013.